The following is an entry in ClinVar:

ClinVar aggregate classification (germline): Uncertain significance. Review status: criteria provided, multiple submitters, no conflicts (2 of 4 stars). 2 submissions from 2 submitters: Uncertain significance (2). Last evaluated 2025-03-11.

Conditions:
Gastrointestinal stromal tumor. Also called: Gastrointestinal stromal tumor, somatic; Gastrointestinal stroma tumor. Identifiers: Orphanet 44890, MedGen C0238198, MeSH D046152, MONDO:0011719, OMIM 606764, HP:0100723.
Hereditary cancer-predisposing syndrome. Also called: Hereditary Cancer Syndrome; Tumor predisposition; Neoplastic Syndromes, Hereditary; Hereditary neoplastic syndrome. Identifiers: Orphanet 140162, MedGen C0027672, MeSH D009386, MONDO:0015356.

Allele frequency attached by ClinVar (database versions not stated): gnomAD exomes below 0.00001.
gnomAD v4.1: 6 of 1,613,650 alleles (0.00037%); highest among the groups gnomAD compares: Non-Finnish European, 0.00042%; no homozygotes.

Submissions (2):

Labcorp Genetics (formerly Invitae), Labcorp
Classification: Uncertain significance for Gastrointestinal stromal tumor. Last evaluated: 2025-03-11. Review status: criteria provided, single submitter. Criteria: Invitae Variant Classification Sherloc (09022015). Collection method: clinical testing. Allele origin: germline.
Comment: This sequence change falls in intron 1 of the KIT gene. It does not directly change the encoded amino acid sequence of the KIT protein. It affects a nucleotide within the consensus splice site. This variant is not present in population databases (gnomAD no frequency). This variant has not been reported in the literature in individuals affected with KIT-related conditions. ClinVar contains an entry for this variant (Variation ID: 644888). Variants that disrupt the consensus splice site are a relatively common cause of aberrant splicing (PMID: 17576681, 9536098). Algorithms developed to predict the effect of sequence changes on RNA splicing suggest that this variant is not likely to affect RNA splicing. In summary, the available evidence is currently insufficient to determine the role of this variant in disease. Therefore, it has been classified as a Variant of Uncertain Significance.

Ambry Genetics
Classification: Uncertain significance for Hereditary cancer-predisposing syndrome. Last evaluated: 2024-12-30. Review status: criteria provided, single submitter. Criteria: Ambry Variant Classification Scheme 2023. Collection method: clinical testing. Allele origin: germline.
Comment: The c.67+3G>A intronic variant results from a G to A substitution 3 nucleotides after coding exon 1 in the KIT gene. This nucleotide position is highly conserved in available vertebrate species. In silico splice site analysis predicts that this alteration will not have any significant effect on splicing. Based on the available evidence, the clinical significance of this variant remains unclear.

Literature cited by the submitters: PubMed 17576681 (cited by Labcorp Genetics (formerly Invitae), Labcorp); PubMed 9536098 (cited by Labcorp Genetics (formerly Invitae), Labcorp).

NM_000222.3(KIT):c.67+3G>A

Gene: KIT (KIT proto-oncogene, receptor tyrosine kinase; plus strand). Cytogenetic location: 4q12.
Variant type: single nucleotide variant.
Coding change: c.67+3G>A on transcript NM_000222.3 (MANE Select); 3 bases into the intron after coding-DNA position 67, G replaced by A.
Molecular consequence: intron variant.
Genome position (GRCh38, 1-based): chr4:54,658,084, G>A. VCF-style: chr4-54658084-G-A. GRCh37 (hg19) VCF-style: chr4-55524251-G-A.
Other names: c.67+3G>A (NM_001385284.1, NM_001385290.1, NM_001385288.1 and 4 more transcripts).
Identifiers: ClinVar variation 644888 (VCV000644888.12), dbSNP rs1560366820, ClinGen allele CA915943133.